The following is an entry in ClinVar:

NM_144508.5(KNL1):c.4780C>T (p.His1594Tyr)

Gene: KNL1 (kinetochore scaffold 1; plus strand). Cytogenetic location: 15q15.1.
Variant type: single nucleotide variant.
Coding change: c.4780C>T on transcript NM_144508.5 (MANE Select); coding-DNA position 4780, C replaced by T.
Protein change: p.His1594Tyr; replaces histidine 1594 with tyrosine.
Molecular consequence: missense variant.
Genome position (GRCh38, 1-based): chr15:40,625,044, C>T. VCF-style: chr15-40625044-C-T. GRCh37 (hg19) VCF-style: chr15-40917242-C-T.
Other names: c.4858C>T, p.His1620Tyr (NM_170589.5); short protein forms H1620Y, H1594Y.
Identifiers: ClinVar variation 4996225 (VCV004996225.1).

ClinVar aggregate classification (germline): Uncertain significance (1 of 4 stars; one submission).

Conditions:
KNL1-related disorder. Also called: KNL1-related condition.

Submission:

PreventionGenetics, part of Exact Sciences
Classification: Uncertain significance for KNL1-related condition. Last evaluated: 2026-03-12. Review status: criteria provided, single submitter. Criteria: ACMG Guidelines, 2015. Collection method: clinical testing. Allele origin: germline.
Comment: The KNL1 c.4858C>T variant is predicted to result in the amino acid substitution p.His1620Tyr. To our knowledge, this variant has not been reported in the literature or in a large population database (gnomAD), indicating this variant is rare. At this time, the clinical significance of this variant is uncertain due to the absence of conclusive functional and genetic evidence.